The following is an entry in ClinVar:

NM_021927.3(GUF1):c.788T>C (p.Phe263Ser)

Gene: GUF1 (GTP binding elongation factor GUF1; plus strand). Cytogenetic location: 4p12.
Variant type: single nucleotide variant.
Coding change: c.788T>C on transcript NM_021927.3 (MANE Select); coding-DNA position 788, T replaced by C.
Protein change: p.Phe263Ser; replaces phenylalanine 263 with serine.
Molecular consequence: missense variant. On other transcripts: 5 prime UTR variant (2).
Genome position (GRCh38, 1-based): chr4:44,686,563, T>C. VCF-style: chr4-44686563-T-C. GRCh37 (hg19) VCF-style: chr4-44688580-T-C.
Other names: c.-185T>C (NM_001345867.2, NM_001345869.2); c.788T>C, p.Phe263Ser (NM_001345868.2); c.788T>C (NM_021927.2); short protein forms F263S.
Identifiers: ClinVar variation 2997964 (VCV002997964.4), dbSNP rs1489257618, ClinGen allele CA356762343.
Genomic context (GRCh38, chr4:44,686,563, plus strand): 5'-TTACTAGTCCTAAAGTGCATCGCAAAAATCCTCTGAGAGCTTTGGTATTTGACTCCACCT[T>C]TGACCAGTATAGAGGTGTGATAGCCAATGTAGCATTATTTGACGGAGTGGTTTCCAAAGG-3'
Protein context (NP_068746.2, residues 253-273): PLRALVFDST[Phe263Ser]DQYRGVIANV

ClinVar aggregate classification (germline): Uncertain significance. Review status: criteria provided, multiple submitters, no conflicts (2 of 4 stars). 2 submissions from 2 submitters: Uncertain significance (2). Last evaluated 2025-05-20.

Allele frequency attached by ClinVar (database versions not stated): TOPMed below 0.00001; gnomAD exomes 0.00001.

Submissions (2):

Ambry Genetics
Classification: Uncertain significance. Last evaluated: 2025-05-20. Review status: criteria provided, single submitter. Criteria: Ambry Variant Classification Scheme 2023. Collection method: clinical testing. Allele origin: germline.

Labcorp Genetics (formerly Invitae), Labcorp
Classification: Uncertain significance. Last evaluated: 2024-02-11. Review status: criteria provided, single submitter. Criteria: Invitae Variant Classification Sherloc (09022015). Collection method: clinical testing. Allele origin: germline.
Comment: This sequence change replaces phenylalanine, which is neutral and non-polar, with serine, which is neutral and polar, at codon 263 of the GUF1 protein (p.Phe263Ser). This variant is present in population databases (no rsID available, gnomAD 0.0009%). This variant has not been reported in the literature in individuals affected with GUF1-related conditions. Advanced modeling of protein sequence and biophysical properties (such as structural, functional, and spatial information, amino acid conservation, physicochemical variation, residue mobility, and thermodynamic stability) performed at Invitae indicates that this missense variant is not expected to disrupt GUF1 protein function with a negative predictive value of 80%. In summary, the available evidence is currently insufficient to determine the role of this variant in disease. Therefore, it has been classified as a Variant of Uncertain Significance.